The following is an entry in ClinVar:

ClinVar aggregate classification (germline): Likely benign. Review status: criteria provided, multiple submitters, no conflicts (2 of 4 stars). 3 submissions from 3 submitters: Likely benign (3). Last evaluated 2026-01-31.

Conditions:
Pheochromocytoma/paraganglioma syndrome 5. Also called: Paragangliomas 5; SDHA-Related Hereditary Paraganglioma-Pheochromocytoma Syndrome. Identifiers: Orphanet 29072, MedGen C3279992, MONDO:0013602, OMIM 614165.
Mitochondrial complex II deficiency, nuclear type 1. Also called: SUCCINATE CoQ REDUCTASE DEFICIENCY. Identifiers: Orphanet 3208, MedGen C5700310, MONDO:0100294, OMIM 252011.

Allele frequency attached by ClinVar (database versions not stated): TOPMed below 0.00001; gnomAD exomes 0.00001 and 0.00003; ExAC 0.00003; 1000 Genomes Project 0.00020; 1000 Genomes Project 30x 0.00031; gnomAD 0.00003.
gnomAD v4.1: 24 of 1,611,290 alleles (0.0015%); highest among the groups gnomAD compares: South Asian, 0.026%; no homozygotes.

Submissions (3):

Labcorp Genetics (formerly Invitae), Labcorp
Classification: Likely benign for Pheochromocytoma/paraganglioma syndrome 5; Mitochondrial complex II deficiency, nuclear type 1. Last evaluated: 2026-01-31. Review status: criteria provided, single submitter. Criteria: Invitae Variant Classification Sherloc (09022015). Collection method: clinical testing. Allele origin: germline.

Mayo Clinic Laboratories, Mayo Clinic
Classification: Likely benign. Last evaluated: 2025-10-16. Review status: criteria provided, single submitter. Criteria: ACMG Guidelines, 2015. Collection method: clinical testing. Allele origin: germline. Observed: 1 variant allele.
Comment: BP4, BP7

Myriad Genetics, Inc.
Classification: Likely benign for Pheochromocytoma/paraganglioma syndrome 5. Last evaluated: 2025-03-03. Review status: criteria provided, single submitter. Criteria: Myriad Autosomal Dominant, Autosomal Recessive and X-Linked Classification Criteria (2023). Collection method: clinical testing. Allele origin: unknown.
Comment: This variant is considered likely benign. This variant is intronic and is not expected to impact mRNA splicing.

NM_004168.4(SDHA):c.770+9C>G

Gene: SDHA (succinate dehydrogenase complex flavoprotein subunit A; plus strand). Cytogenetic location: 5p15.33.
Variant type: single nucleotide variant.
Coding change: c.770+9C>G on transcript NM_004168.4 (MANE Select); 9 bases into the intron after coding-DNA position 770, C replaced by G.
Molecular consequence: intron variant.
Genome position (GRCh38, 1-based): chr5:228,342, C>G. VCF-style: chr5-228342-C-G. GRCh37 (hg19) VCF-style: chr5-228457-C-G.
Other names: p.?; c.770+9C>G (NM_001330758.2); c.626+9C>G (NM_001294332.2).
Identifiers: ClinVar variation 1161492 (VCV001161492.11), dbSNP rs538621686, ClinGen allele CA3172964.